The following is an entry in ClinVar:

NM_183357.3(ADCY5):c.1419T>C (p.Ala473=)

Gene: ADCY5 (adenylate cyclase 5; minus strand). Cytogenetic location: 3q21.1.
Variant type: single nucleotide variant.
Coding change: c.1419T>C on transcript NM_183357.3 (MANE Select); coding-DNA position 1419, T replaced by C.
Protein change: p.Ala473=; no amino-acid change (alanine 473 retained).
Molecular consequence: synonymous variant.
Genome position (GRCh38, 1-based): chr3:123,332,663, A>G on the plus strand (T>C on the coding strand, the complement: ADCY5 is on the minus strand). VCF-style: chr3-123332663-A-G. GRCh37 (hg19) VCF-style: chr3-123051510-A-G.
Other names: c.369T>C, p.Ala123= (NM_001199642.1); c.1419T>C, p.Ala473= (NM_001378259.1).
Identifiers: ClinVar variation 4681679 (VCV004681679.5).

ClinVar aggregate classification (germline): Likely benign (1 of 4 stars; one submission).

gnomAD v4.1: 2 of 1,611,410 alleles (0.00012%); highest among the groups gnomAD compares: Non-Finnish European, 0.00017%; no homozygotes.

Submission:

CeGaT Center for Human Genetics Tuebingen
Classification: Likely benign. Last evaluated: 2025-12-01. Review status: criteria provided, single submitter. Criteria: CeGaT Center For Human Genetics Tuebingen Variant Classification Criteria Version 2. Collection method: clinical testing. Allele origin: germline. Affected: yes. Observed: 1 variant allele.
Comment: ADCY5: BP4, BP7